The following is an entry in ClinVar:

ClinVar aggregate classification (germline): Uncertain significance (1 of 4 stars; one submission).

Conditions:
Ciliary dyskinesia, primary, 37 (CILD37). Also called: CILIARY DYSKINESIA, PRIMARY, 37, WITH OR WITHOUT SITUS INVERSUS. Identifiers: MedGen C4539798, MONDO:0033204, OMIM 617577.
Spermatogenic failure 18. Identifiers: MedGen C4539783, MONDO:0054615, OMIM 617576.

gnomAD v4.1: 7 of 1,603,616 alleles (0.00044%); highest among the groups gnomAD compares: African/African-American, 0.0027%; no homozygotes.

Submission:

Labcorp Genetics (formerly Invitae), Labcorp
Classification: Uncertain significance for Ciliary dyskinesia, primary, 37; Spermatogenic failure 18. Last evaluated: 2025-09-30. Review status: criteria provided, single submitter. Criteria: Invitae Variant Classification Sherloc (09022015). Collection method: clinical testing. Allele origin: germline.
Comment: This sequence change replaces aspartic acid, which is acidic and polar, with glutamic acid, which is acidic and polar, at codon 2524 of the DNAH1 protein (p.Asp2524Glu). This variant is not present in population databases (gnomAD no frequency). This variant has not been reported in the literature in individuals affected with DNAH1-related conditions. Invitae Evidence Modeling of protein sequence and biophysical properties (such as structural, functional, and spatial information, amino acid conservation, physicochemical variation, residue mobility, and thermodynamic stability) indicates that this missense variant is not expected to disrupt DNAH1 protein function with a negative predictive value of 80%. In summary, the available evidence is currently insufficient to determine the role of this variant in disease. Therefore, it has been classified as a Variant of Uncertain Significance.

NM_015512.5(DNAH1):c.7572T>A (p.Asp2524Glu)

Gene: DNAH1 (dynein axonemal heavy chain 1; plus strand). Cytogenetic location: 3p21.1.
Variant type: single nucleotide variant.
Coding change: c.7572T>A on transcript NM_015512.5 (MANE Select); coding-DNA position 7572, T replaced by A.
Protein change: p.Asp2524Glu; replaces aspartic acid 2524 with glutamic acid.
Molecular consequence: missense variant.
Genome position (GRCh38, 1-based): chr3:52,380,099, T>A. VCF-style: chr3-52380099-T-A. GRCh37 (hg19) VCF-style: chr3-52414115-T-A.
Other names: short protein forms D2524E.
Identifiers: ClinVar variation 4788407 (VCV004788407.1).